The following is an entry in ClinVar:

NM_020800.3(IFT80):c.2113G>T (p.Ala705Ser)

Genes: TRIM59-IFT80 (TRIM59-IFT80 readthrough (NMD candidate); minus strand), IFT80 (intraflagellar transport 80; minus strand). Cytogenetic location: 3q25.33.
Variant type: single nucleotide variant.
Coding change: c.2113G>T on transcript NM_020800.3 (MANE Select); coding-DNA position 2113, G replaced by T.
Protein change: p.Ala705Ser; replaces alanine 705 with serine.
Molecular consequence: missense variant. On other transcripts: non-coding transcript variant (3).
Genome position (GRCh38, 1-based): chr3:160,268,523, C>A on the plus strand (G>T on the coding strand, the complement: IFT80 is on the minus strand). VCF-style: chr3-160268523-C-A. GRCh37 (hg19) VCF-style: chr3-159986311-C-A.
Other names: c.1702G>T, p.Ala568Ser (NM_001190241.2, NM_001190242.2); short protein forms A568S, A705S.
Identifiers: ClinVar variation 4754832 (VCV004754832.1).

ClinVar aggregate classification (germline): Uncertain significance (1 of 4 stars; one submission).

Conditions:
Jeune thoracic dystrophy. Also called: Infantile thoracic dystrophy; Thoracic pelvic phalangeal dystrophy; Jeune's syndrome; Chondroectodermal dysplasia-like syndrome; Short-rib thoracic dysplasia; Jeune syndrome. Identifiers: Orphanet 474, MedGen C0265275, MONDO:0018770.

gnomAD v4.1: 2 of 1,613,194 alleles (0.00012%); highest among the groups gnomAD compares: Non-Finnish European, 0.00017%; no homozygotes.

Submission:

Labcorp Genetics (formerly Invitae), Labcorp
Classification: Uncertain significance for Jeune thoracic dystrophy. Last evaluated: 2025-08-21. Review status: criteria provided, single submitter. Criteria: Invitae Variant Classification Sherloc (09022015). Collection method: clinical testing. Allele origin: germline.
Comment: This sequence change replaces alanine, which is neutral and non-polar, with serine, which is neutral and polar, at codon 705 of the IFT80 protein (p.Ala705Ser). This variant is not present in population databases (gnomAD no frequency). This variant has not been reported in the literature in individuals affected with IFT80-related conditions. Invitae Evidence Modeling of protein sequence and biophysical properties (such as structural, functional, and spatial information, amino acid conservation, physicochemical variation, residue mobility, and thermodynamic stability) indicates that this missense variant is not expected to disrupt IFT80 protein function with a negative predictive value of 80%. In summary, the available evidence is currently insufficient to determine the role of this variant in disease. Therefore, it has been classified as a Variant of Uncertain Significance.